The following is an entry in ClinVar:

NM_001379659.1(ZNF142):c.2738AGG[1] (p.Glu914del)

Gene: ZNF142 (zinc finger protein 142; minus strand). Cytogenetic location: 2q35.
Variant type: Microsatellite.
Coding change: c.2738AGG[1] on transcript NM_001379659.1 (MANE Select); one copy of the 3-base unit AGG starting at c.2738; the reference has two copies in a row; one copy, 3 bases deleted.
Protein change: p.Glu914del; deletes glutamic acid 914.
Molecular consequence: inframe deletion. On other transcripts: inframe indel (5).
Genome position (GRCh38, 1-based): chr2:218,644,373-218,644,375, CCT deleted on the plus strand (AGG on the coding strand, the reverse complement: ZNF142 is on the minus strand); deleting any 3 consecutive bases within chr2:218,644,373-218,644,379 gives the same sequence; the position shown is the placement nearest the transcript's 3' end. VCF-style (leftmost placement, unchanged base first): chr2-218644372-ACCT-A. GRCh37 (hg19) VCF-style: chr2-219509095-ACCT-A.
Other names: c.1648_1650GAG[1], p.Glu551del (NM_001366289.3, NM_001366287.3, NM_001366288.3); c.2738AGG[1], p.Glu914del (NM_001366290.3, NM_001379660.1, NM_001379661.1); c.2137_2139GAG[1], p.Glu714del (NM_001366291.3, NM_001105537.5); c.2138AGG[1], p.Glu714del (NM_001379662.1); short protein forms E714del, E914del, E551del.
Identifiers: ClinVar variation 3730919 (VCV003730919.1).

ClinVar aggregate classification (germline): Uncertain significance (1 of 4 stars; one submission).

Submission:

GeneDx
Classification: Uncertain significance. Last evaluated: 2024-08-13. Review status: criteria provided, single submitter. Criteria: GeneDx Variant Classification Process June 2021. Collection method: clinical testing. Allele origin: germline. Affected: yes.
Comment: In-frame deletion of 1 amino acids in a non-repeat region; In silico analysis supports a deleterious effect on protein structure/function; Has not been previously published as pathogenic or benign to our knowledge